The following is an entry in ClinVar:

NM_000051.4(ATM):c.1266G>A (p.Lys422=)

Gene: ATM (ATM serine/threonine kinase; plus strand). Cytogenetic location: 11q22.3.
Variant type: single nucleotide variant.
Coding change: c.1266G>A on transcript NM_000051.4 (MANE Select); coding-DNA position 1266, G replaced by A.
Protein change: p.Lys422=; no amino-acid change (lysine 422 retained).
Molecular consequence: synonymous variant.
Genome position (GRCh38, 1-based): chr11:108,250,731, G>A. VCF-style: chr11-108250731-G-A. GRCh37 (hg19) VCF-style: chr11-108121458-G-A.
Other names: c.1266G>A, p.Lys422= (NM_001351834.2).
Identifiers: ClinVar variation 378982 (VCV000378982.6), dbSNP rs1057520445, ClinGen allele CA16606024.

ClinVar aggregate classification (germline): Benign/Likely benign. Review status: criteria provided, multiple submitters, no conflicts (2 of 4 stars). 3 submissions from 3 submitters: Benign (1); Likely benign (2). Last evaluated 2024-04-26.

Conditions:
Familial cancer of breast. Also called: Hereditary breast cancer; BREAST CANCER, FAMILIAL; hereditary breast carcinoma. Identifiers: Orphanet 227535, MedGen C0346153, MONDO:0016419, OMIM 114480. Disease mechanism: loss of function.
Ataxia-telangiectasia syndrome (AT). Also called: LOUIS-BAR SYNDROME; ATAXIA-TELANGIECTASIA, COMPLEMENTATION GROUP A; ATAXIA-TELANGIECTASIA, FRESNO VARIANT; Ataxia-telangiectasia; Ataxia telangiectasia (A-T); Cerebello-oculocutaneous telangiectasia. Identifiers: Orphanet 100, MedGen C0004135, MONDO:0008840, OMIM 208900.

Submissions (3):

Myriad Genetics, Inc.
Classification: Benign for Familial cancer of breast. Last evaluated: 2024-04-26. Review status: criteria provided, single submitter. Criteria: Myriad Autosomal Dominant, Autosomal Recessive and X-Linked Classification Criteria (2023). Collection method: clinical testing. Allele origin: unknown.
Comment: This variant is considered benign. This variant is a silent/synonymous amino acid change and it is not expected to impact splicing.

Labcorp Genetics (formerly Invitae), Labcorp
Classification: Likely benign for Ataxia-telangiectasia syndrome. Last evaluated: 2023-09-01. Review status: criteria provided, single submitter. Criteria: Invitae Variant Classification Sherloc (09022015). Collection method: clinical testing. Allele origin: germline.

GeneDx
Classification: Likely benign. Last evaluated: 2016-05-02. Review status: criteria provided, single submitter. Criteria: GeneDx Variant Classification (06012015). Collection method: clinical testing. Allele origin: germline. Affected: yes.
Comment: This variant is considered likely benign or benign based on one or more of the following criteria: it is a conservative change, it occurs at a poorly conserved position in the protein, it is predicted to be benign by multiple in silico algorithms, and/or has population frequency not consistent with disease.